The following is an entry in ClinVar:

ClinVar aggregate classification (germline): Uncertain significance. Review status: criteria provided, multiple submitters, no conflicts (2 of 4 stars). 2 submissions from 2 submitters: Uncertain significance (2). Last evaluated 2026-02-23.

Conditions:
Gorlin syndrome. Also called: Nevoid Basal Cell Carcinoma Syndrome; Basal cell nevus syndrome. Identifiers: Orphanet 377, MedGen C0004779, MONDO:0007187.
Medulloblastoma (MDB). Also called: MEDULLOBLASTOMA PREDISPOSITION SYNDROME; Medulloblastoma, somatic. Identifiers: Orphanet 616, MedGen C0025149, MeSH D008527, MONDO:0007959, OMIM 155255, HP:0002885.
Hereditary cancer-predisposing syndrome. Also called: Tumor predisposition; Neoplastic Syndromes, Hereditary; Hereditary Cancer Syndrome; Hereditary neoplastic syndrome. Identifiers: Orphanet 140162, MedGen C0027672, MeSH D009386, MONDO:0015356.

Submissions (2):

Ambry Genetics
Classification: Uncertain significance for Hereditary cancer-predisposing syndrome. Last evaluated: 2026-02-23. Review status: criteria provided, single submitter. Criteria: Ambry Variant Classification Scheme 2023. Collection method: clinical testing. Allele origin: germline.
Comment: The p.H358P variant (also known as c.1073A>C), located in coding exon 9 of the SUFU gene, results from an A to C substitution at nucleotide position 1073. The histidine at codon 358 is replaced by proline, an amino acid with similar properties. This amino acid position is conserved. In addition, the in silico prediction for this alteration is inconclusive. Based on the available evidence, the clinical significance of this variant remains unclear.

Labcorp Genetics (formerly Invitae), Labcorp
Classification: Uncertain significance for Gorlin syndrome; Medulloblastoma. Last evaluated: 2022-11-01. Review status: criteria provided, single submitter. Criteria: Invitae Variant Classification Sherloc (09022015). Collection method: clinical testing. Allele origin: germline.
Comment: This sequence change replaces histidine, which is basic and polar, with proline, which is neutral and non-polar, at codon 358 of the SUFU protein (p.His358Pro). This variant is present in population databases (no rsID available, gnomAD 0.0009%). This variant has not been reported in the literature in individuals affected with SUFU-related conditions. Advanced modeling of protein sequence and biophysical properties (such as structural, functional, and spatial information, amino acid conservation, physicochemical variation, residue mobility, and thermodynamic stability) performed at Invitae indicates that this missense variant is not expected to disrupt SUFU protein function. In summary, the available evidence is currently insufficient to determine the role of this variant in disease. Therefore, it has been classified as a Variant of Uncertain Significance.

NM_016169.4(SUFU):c.1073A>C (p.His358Pro)

Gene: SUFU (SUFU negative regulator of hedgehog signaling; plus strand). Cytogenetic location: 10q24.32.
Variant type: single nucleotide variant.
Coding change: c.1073A>C on transcript NM_016169.4 (MANE Select); coding-DNA position 1073, A replaced by C.
Protein change: p.His358Pro; replaces histidine 358 with proline.
Molecular consequence: missense variant.
Genome position (GRCh38, 1-based): chr10:102,615,318, A>C. VCF-style: chr10-102615318-A-C. GRCh37 (hg19) VCF-style: chr10-104375075-A-C.
Other names: c.1073A>C, p.His358Pro (NM_001178133.2); short protein forms H358P.
Identifiers: ClinVar variation 2929793 (VCV002929793.4), dbSNP rs1432365875, ClinGen allele CA377913969.